The following is an entry in ClinVar:

ClinVar aggregate classification (germline): Uncertain significance (1 of 4 stars; one submission).

Conditions:
Capillary malformation-arteriovenous malformation syndrome. Also called: Capillary malformation-arteriovenous malformation. Identifiers: Orphanet 137667, MedGen C1842180, MONDO:0012016.

Submission:

Labcorp Genetics (formerly Invitae), Labcorp
Classification: Uncertain significance for Capillary malformation-arteriovenous malformation syndrome. Last evaluated: 2021-05-12. Review status: criteria provided, single submitter. Criteria: Invitae Variant Classification Sherloc (09022015). Collection method: clinical testing. Allele origin: germline.
Comment: Algorithms developed to predict the effect of missense changes on protein structure and function are either unavailable or do not agree on the potential impact of this missense change (SIFT: "Tolerated"; PolyPhen-2: "Probably Damaging"; Align-GVGD: "Class C0"). In summary, the available evidence is currently insufficient to determine the role of this variant in disease. Therefore, it has been classified as a Variant of Uncertain Significance. This sequence change replaces glycine with aspartic acid at codon 101 of the RASA1 protein (p.Gly101Asp). The glycine residue is weakly conserved and there is a moderate physicochemical difference between glycine and aspartic acid. This variant is not present in population databases (ExAC no frequency). This variant has not been reported in the literature in individuals with RASA1-related conditions.

NM_002890.3(RASA1):c.302G>A (p.Gly101Asp)

Gene: RASA1 (RAS p21 protein activator 1; plus strand). Cytogenetic location: 5q14.3.
Variant type: single nucleotide variant.
Coding change: c.302G>A on transcript NM_002890.3 (MANE Select); coding-DNA position 302, G replaced by A.
Protein change: p.Gly101Asp; replaces glycine 101 with aspartic acid.
Molecular consequence: missense variant.
Genome position (GRCh38, 1-based): chr5:87,268,753, G>A. VCF-style: chr5-87268753-G-A. GRCh37 (hg19) VCF-style: chr5-86564570-G-A.
Other names: short protein forms G101D.
Identifiers: ClinVar variation 1353191 (VCV001353191.8), dbSNP rs2112222782, ClinGen allele CA360417133.